The following is an entry in ClinVar:

NM_000138.5(FBN1):c.4913A>C (p.Tyr1638Ser)

Gene: FBN1 (fibrillin 1; minus strand). Cytogenetic location: 15q21.1.
Variant type: single nucleotide variant.
Coding change: c.4913A>C on transcript NM_000138.5 (MANE Select); coding-DNA position 4913, A replaced by C.
Protein change: p.Tyr1638Ser; replaces tyrosine 1638 with serine.
Molecular consequence: missense variant.
Genome position (GRCh38, 1-based): chr15:48,465,597, T>G on the plus strand (A>C on the coding strand, the complement: FBN1 is on the minus strand). VCF-style: chr15-48465597-T-G. GRCh37 (hg19) VCF-style: chr15-48757794-T-G.
Other names: short protein forms Y1638S.
Identifiers: ClinVar variation 979122 (VCV000979122.9), dbSNP rs374520085, ClinGen allele CA053942.

ClinVar aggregate classification (germline): Conflicting classifications of pathogenicity. Review status: criteria provided, conflicting classifications (1 of 4 stars). 4 submissions from 4 submitters: Uncertain significance (3); Benign (1). Last evaluated 2025-08-25.

Conditions:
Marfan syndrome (MFS). Also called: FBN1-Related Marfan Syndrome; MARFAN SYNDROME, TYPE I; Marfan syndrome type 1; Marfan's syndrome; Marfan syndrome, classic. Identifiers: Orphanet 284963, Orphanet 558, MedGen C0024796, MONDO:0007947, OMIM 154700.
Familial thoracic aortic aneurysm and aortic dissection (TAAD). Also called: Thoracic aortic aneurysms and dissections. Identifiers: Orphanet 91387, MedGen C4707243, MONDO:0019625.

Allele frequency attached by ClinVar (database versions not stated): gnomAD 0.00001; TOPMed 0.00002; ESP Exome Variant Server 0.00008.
gnomAD v4.1: 4 of 1,614,032 alleles (0.00025%); highest among the groups gnomAD compares: African/African-American, 0.004%; no homozygotes.

Submissions (4):

Color Diagnostics, LLC DBA Color Health
Classification: Uncertain significance for Familial thoracic aortic aneurysm and aortic dissection. Last evaluated: 2025-08-25. Review status: criteria provided, single submitter. Criteria: ACMG Guidelines, 2015. Collection method: clinical testing. Allele origin: germline.
Comment: This missense variant replaces tyrosine with serine at codon 1638 of the FBN1 protein. Computational prediction suggests that this variant may not impact protein structure and function. To our knowledge, functional studies have not been reported for this variant. This variant has not been reported in individuals affected with FBN1-related disorders in the literature. This variant has been identified in 1/251290 chromosomes in the general population by the Genome Aggregation Database (gnomAD). The available evidence is insufficient to determine the role of this variant in disease conclusively. Therefore, this variant is classified as a Variant of Uncertain Significance.

Labcorp Genetics (formerly Invitae), Labcorp
Classification: Benign for Marfan syndrome; Familial thoracic aortic aneurysm and aortic dissection. Last evaluated: 2023-07-13. Review status: criteria provided, single submitter. Criteria: Invitae Variant Classification Sherloc (09022015). Collection method: clinical testing. Allele origin: germline.

CHEO Genetics Diagnostic Laboratory, Children's Hospital of Eastern Ontario
Classification: Uncertain significance for Familial thoracic aortic aneurysm and aortic dissection. Last evaluated: 2021-09-22. Review status: criteria provided, single submitter. Criteria: ACMG Guidelines, 2015. Collection method: clinical testing. Allele origin: germline.

Human Genome Sequencing Center Clinical Lab, Baylor College of Medicine
Classification: Uncertain significance for Marfan syndrome. Review status: criteria provided, single submitter. Criteria: ACMG Guidelines, 2015. Collection method: clinical testing. Allele origin: germline.